The following is an entry in ClinVar:

NM_001271938.2(MEGF8):c.3311G>A (p.Arg1104Gln)

Gene: MEGF8 (multiple EGF like domains 8; plus strand). Cytogenetic location: 19q13.2.
Variant type: single nucleotide variant.
Coding change: c.3311G>A on transcript NM_001271938.2 (MANE Select); coding-DNA position 3311, G replaced by A.
Protein change: p.Arg1104Gln; replaces arginine 1104 with glutamine.
Molecular consequence: missense variant.
Genome position (GRCh38, 1-based): chr19:42,352,417, G>A. VCF-style: chr19-42352417-G-A. GRCh37 (hg19) VCF-style: chr19-42856569-G-A.
Other names: c.3110G>A, p.Arg1037Gln (NM_001410.3); c.3110G>A (NM_001410.2); short protein forms R1104Q, R1037Q.
Identifiers: ClinVar variation 1404152 (VCV001404152.6), dbSNP rs1460568797, ClinGen allele CA406104815.

ClinVar aggregate classification (germline): Uncertain significance. Review status: criteria provided, multiple submitters, no conflicts (2 of 4 stars). 2 submissions from 2 submitters: Uncertain significance (2). Last evaluated 2025-06-18.

Conditions:
Inborn genetic diseases. Identifiers: MedGen C0950123, MeSH D030342.
MEGF8-related Carpenter syndrome. Also called: Carpenter syndrome 2. Identifiers: Orphanet 65759, MedGen C3554247, MONDO:0013998, OMIM 614976.

Allele frequency attached by ClinVar (database versions not stated): TOPMed 0.00001; gnomAD exomes 0.00002.
gnomAD v4.1: 7 of 1,598,612 alleles (0.00044%); highest among the groups gnomAD compares: Admixed American, 0.0052%; no homozygotes.

Submissions (2):

Ambry Genetics
Classification: Uncertain significance for Inborn genetic diseases. Last evaluated: 2025-06-18. Review status: criteria provided, single submitter. Criteria: Ambry Variant Classification Scheme 2023. Collection method: clinical testing. Allele origin: germline.

Labcorp Genetics (formerly Invitae), Labcorp
Classification: Uncertain significance for MEGF8-related Carpenter syndrome. Last evaluated: 2021-10-03. Review status: criteria provided, single submitter. Criteria: Invitae Variant Classification Sherloc (09022015). Collection method: clinical testing. Allele origin: germline.
Comment: This sequence change replaces arginine with glutamine at codon 1037 of the MEGF8 protein (p.Arg1037Gln). The arginine residue is highly conserved and there is a small physicochemical difference between arginine and glutamine. This variant is not present in population databases (ExAC no frequency). This variant has not been reported in the literature in individuals affected with MEGF8-related conditions. Algorithms developed to predict the effect of missense changes on protein structure and function are either unavailable or do not agree on the potential impact of this missense change (SIFT: "Deleterious"; PolyPhen-2: "Possibly Damaging"; Align-GVGD: "Class C0"). Algorithms developed to predict the effect of sequence changes on RNA splicing suggest that this variant may create or strengthen a splice site. In summary, the available evidence is currently insufficient to determine the role of this variant in disease. Therefore, it has been classified as a Variant of Uncertain Significance.